The following is an entry in ClinVar:

ClinVar aggregate classification (germline): Benign/Likely benign. Review status: criteria provided, multiple submitters, no conflicts (2 of 4 stars). 2 submissions from 2 submitters: Benign (1); Likely benign (1). Last evaluated 2018-06-28.

Conditions:
Hereditary spastic paraplegia 4. Also called: Spastic paraplegia 4, autosomal dominant; Spastic Paraplegia 4; Familial spastic paraplegia autosomal dominant 2. Identifiers: Orphanet 100985, MedGen C1866855, MONDO:0008438, OMIM 182601.

Allele frequency attached by ClinVar (database versions not stated): gnomAD exomes 0.00162; gnomAD 0.01211 and 0.01284; TOPMed 0.01314; 1000 Genomes Project 0.01657; 1000 Genomes Project 30x 0.01796.
gnomAD v4.1: 2,350 of 459,468 alleles (0.51%); highest among the groups gnomAD compares: African/African-American, 4.2%; 46 homozygotes.

Submissions (2):

GeneDx
Classification: Likely benign. Last evaluated: 2018-06-28. Review status: criteria provided, single submitter. Criteria: GeneDx Variant Classification Process June 2021. Collection method: clinical testing. Allele origin: germline. Affected: yes.

Illumina Laboratory Services, Illumina
Classification: Benign for Hereditary spastic paraplegia 4. Last evaluated: 2018-01-12. Review status: criteria provided, single submitter. Criteria: ICSL Variant Classification Criteria 13 December 2019. Collection method: clinical testing. Allele origin: germline.
Comment: This variant was observed in the ICSL laboratory as part of a predisposition screen in an ostensibly healthy population. It had not been previously curated by ICSL or reported in the Human Gene Mutation Database (HGMD: prior to June 1st, 2018), and was therefore a candidate for classification through an automated scoring system. Utilizing variant allele frequency, disease prevalence and penetrance estimates, and inheritance mode, an automated score was calculated to assess if this variant is too frequent to cause the disease. Based on the score and internal cut-off values, a variant classified as benign is not then subjected to further curation. The score for this variant resulted in a classification of benign for this disease.

NM_014946.4(SPAST):c.*256A>G

Gene: SPAST (spastin; plus strand). Cytogenetic location: 2p22.3.
Variant type: single nucleotide variant.
Coding change: c.*256A>G on transcript NM_014946.4 (MANE Select); 256 bases downstream of the stop codon, A replaced by G.
Molecular consequence: 3 prime UTR variant.
Genome position (GRCh38, 1-based): chr2:32,154,752, A>G. VCF-style: chr2-32154752-A-G. GRCh37 (hg19) VCF-style: chr2-32379821-A-G.
Other names: c.*256A>G (NM_001363823.2, NM_001363875.2, NM_199436.2); c.*380A>G (NM_001377959.1).
Identifiers: ClinVar variation 335842 (VCV000335842.7), dbSNP rs6730400, ClinGen allele CA10613707.